The following is an entry in ClinVar:

NM_017534.6(MYH2):c.5545C>T (p.His1849Tyr)

Genes: MYHAS (myosin heavy chain gene cluster antisense RNA; plus strand), MYH2 (myosin heavy chain 2; minus strand). Cytogenetic location: 17p13.1.
Variant type: single nucleotide variant.
Coding change: c.5545C>T on transcript NM_017534.6 (MANE Select); coding-DNA position 5545, C replaced by T.
Protein change: p.His1849Tyr; replaces histidine 1849 with tyrosine.
Molecular consequence: missense variant.
Genome position (GRCh38, 1-based): chr17:10,523,340, G>A on the plus strand (C>T on the coding strand, the complement: MYH2 is on the minus strand). VCF-style: chr17-10523340-G-A. GRCh37 (hg19) VCF-style: chr17-10426657-G-A.
Other names: c.5545C>T, p.His1849Tyr (NM_001100112.2); short protein forms H1849Y.
Identifiers: ClinVar variation 465946 (VCV000465946.7), dbSNP rs1555569647, ClinGen allele CA398114891.

ClinVar aggregate classification (germline): Uncertain significance (1 of 4 stars; one submission).

Conditions:
Myopathy, proximal, and ophthalmoplegia (CMYO6). Also called: INCLUSION BODY MYOPATHY 3, AUTOSOMAL DOMINANT; CONGENITAL MYOPATHY 6 WITH OPHTHALMOPLEGIA; MYOPATHY WITH CONGENITAL JOINT CONTRACTURES, OPHTHALMOPLEGIA, AND RIMMED VACUOLES. Identifiers: Orphanet 363677, Orphanet 79091, MedGen C1854106, MONDO:0011577, OMIM 605637.

Allele frequency attached by ClinVar (database versions not stated): gnomAD exomes below 0.00001; gnomAD 0.00001.
gnomAD v4.1: 1 of 1,614,066 alleles (0.000062%); no homozygotes.

Submission:

Labcorp Genetics (formerly Invitae), Labcorp
Classification: Uncertain significance for Myopathy, proximal, and ophthalmoplegia. Last evaluated: 2022-02-04. Review status: criteria provided, single submitter. Criteria: Invitae Variant Classification Sherloc (09022015). Collection method: clinical testing. Allele origin: germline.
Comment: This sequence change replaces histidine, which is basic and polar, with tyrosine, which is neutral and polar, at codon 1849 of the MYH2 protein (p.His1849Tyr). In summary, the available evidence is currently insufficient to determine the role of this variant in disease. Therefore, it has been classified as a Variant of Uncertain Significance. Algorithms developed to predict the effect of missense changes on protein structure and function (SIFT, PolyPhen-2, Align-GVGD) all suggest that this variant is likely to be tolerated. ClinVar contains an entry for this variant (Variation ID: 465946). This variant has not been reported in the literature in individuals affected with MYH2-related conditions. This variant is present in population databases (no rsID available, gnomAD 0.004%).